The following is an entry in ClinVar:

ClinVar aggregate classification (germline): Uncertain significance. Review status: criteria provided, multiple submitters, no conflicts (2 of 4 stars). 2 submissions from 2 submitters: Uncertain significance (2). Last evaluated 2025-10-05.

Conditions:
PIK3R1-related disorder. Also called: PIK3R1-related condition.
Agammaglobulinemia 7, autosomal recessive (AGM7). Also called: AGAMMAGLOBULINEMIA, AUTOSOMAL RECESSIVE, DUE TO PIK3R1 DEFECT. Identifiers: MedGen C3554689, MONDO:0014083, OMIM 615214.
SHORT syndrome. Also called: LIPODYSTROPHY, PARTIAL, WITH RIEGER ANOMALY AND SHORT STATURE; PIK3R1-Related SHORT Syndrome; SHORT STATURE, HYPEREXTENSIBILITY, HERNIA, OCULAR DEPRESSION, RIEGER ANOMALY, AND TEETHING DELAY. Identifiers: Orphanet 3163, MedGen C0878684, MONDO:0010026, OMIM 269880.
Immunodeficiency 36 with lymphoproliferation. Also called: Activated PI3K Delta Syndrome Type 2 (APDS2); ACTIVATED PI3K-DELTA SYNDROME 2; Immunodeficiency 36. Identifiers: Orphanet 397596, Orphanet 693681, MedGen C4014934, MONDO:0014453, OMIM 616005.

gnomAD v4.1: 7 of 1,614,138 alleles (0.00043%); highest among the groups gnomAD compares: Admixed American, 0.0067%; no homozygotes.

Submissions (2):

Labcorp Genetics (formerly Invitae), Labcorp
Classification: Uncertain significance for SHORT syndrome; Immunodeficiency 36 with lymphoproliferation; Agammaglobulinemia 7, autosomal recessive. Last evaluated: 2025-10-05. Review status: criteria provided, single submitter. Criteria: Invitae Variant Classification Sherloc (09022015). Collection method: clinical testing. Allele origin: germline.
Comment: This sequence change replaces glutamic acid, which is acidic and polar, with lysine, which is basic and polar, at codon 596 of the PIK3R1 protein (p.Glu596Lys). This variant is present in population databases (no rsID available, gnomAD 0.009%). This variant has not been reported in the literature in individuals affected with PIK3R1-related conditions. ClinVar contains an entry for this variant (Variation ID: 3758284). Invitae Evidence Modeling of protein sequence and biophysical properties (such as structural, functional, and spatial information, amino acid conservation, physicochemical variation, residue mobility, and thermodynamic stability) indicates that this missense variant is not expected to disrupt PIK3R1 protein function with a negative predictive value of 80%. In summary, the available evidence is currently insufficient to determine the role of this variant in disease. Therefore, it has been classified as a Variant of Uncertain Significance.

PreventionGenetics, part of Exact Sciences
Classification: Uncertain significance for PIK3R1-related condition. Last evaluated: 2025-05-21. Review status: criteria provided, single submitter. Criteria: ACMG Guidelines, 2015. Collection method: clinical testing. Allele origin: germline.
Comment: The PIK3R1 c.1786G>A variant is predicted to result in the amino acid substitution p.Glu596Lys. To our knowledge, this variant has not been reported in the literature. This variant is reported in 0.0087% of alleles in individuals of Latino descent in gnomAD. At this time, the clinical significance of this variant is uncertain due to the absence of conclusive functional and genetic evidence.

NM_181523.3(PIK3R1):c.1786G>A (p.Glu596Lys)

Gene: PIK3R1 (phosphoinositide-3-kinase regulatory subunit 1; plus strand). Cytogenetic location: 5q13.1.
Variant type: single nucleotide variant.
Coding change: c.1786G>A on transcript NM_181523.3 (MANE Select); coding-DNA position 1786, G replaced by A.
Protein change: p.Glu596Lys; replaces glutamic acid 596 with lysine.
Molecular consequence: missense variant.
Genome position (GRCh38, 1-based): chr5:68,295,460, G>A. VCF-style: chr5-68295460-G-A. GRCh37 (hg19) VCF-style: chr5-67591288-G-A.
Other names: c.886G>A, p.Glu296Lys (NM_181524.2); c.697G>A, p.Glu233Lys (NM_001242466.2); c.976G>A, p.Glu326Lys (NM_181504.4); c.1786G>A (NM_181523.2); short protein forms E233K, E296K, E326K, E596K.
Identifiers: ClinVar variation 3758284 (VCV003758284.3).